The following is an entry in ClinVar:

ClinVar aggregate classification (germline): Uncertain significance (1 of 4 stars; one submission).

Conditions:
Epilepsy, familial focal, with variable foci 3 (FFEVF3). Identifiers: MedGen C4310708, MONDO:0014925, OMIM 617118.

Submission:

Labcorp Genetics (formerly Invitae), Labcorp
Classification: Uncertain significance for Epilepsy, familial focal, with variable foci 3. Last evaluated: 2021-12-06. Review status: criteria provided, single submitter. Criteria: Invitae Variant Classification Sherloc (09022015). Collection method: clinical testing. Allele origin: germline.
Comment: This sequence change replaces leucine, which is neutral and non-polar, with proline, which is neutral and non-polar, at codon 543 of the NPRL3 protein (p.Leu543Pro). This variant is not present in population databases (gnomAD no frequency). This variant has not been reported in the literature in individuals affected with NPRL3-related conditions. Experimental studies and prediction algorithms are not available or were not evaluated, and the functional significance of this variant is currently unknown. In summary, the available evidence is currently insufficient to determine the role of this variant in disease. Therefore, it has been classified as a Variant of Uncertain Significance.

NM_001077350.3(NPRL3):c.1628T>C (p.Leu543Pro)

Gene: NPRL3 (NPR3 like, GATOR1 complex subunit; minus strand). Cytogenetic location: 16p13.3.
Variant type: single nucleotide variant.
Coding change: c.1628T>C on transcript NM_001077350.3 (MANE Select); coding-DNA position 1628, T replaced by C.
Protein change: p.Leu543Pro; replaces leucine 543 with proline.
Molecular consequence: missense variant.
Genome position (GRCh38, 1-based): chr16:86,787, A>G on the plus strand (T>C on the coding strand, the complement: NPRL3 is on the minus strand). VCF-style: chr16-86787-A-G. GRCh37 (hg19) VCF-style: chr16-136786-A-G.
Other names: c.1091T>C, p.Leu364Pro (NM_001039476.3); c.1394T>C, p.Leu465Pro (NM_001243247.2); c.1553T>C, p.Leu518Pro (NM_001243248.2, NM_001243249.2); short protein forms L518P, L543P, L465P, L364P.
Identifiers: ClinVar variation 1417659 (VCV001417659.6), dbSNP rs2141894824, ClinGen allele CA394044706.
Genomic context (GRCh38, chr16:86,787, plus strand): 5'-ACGGCAATGACAGGGTCCTCGTGGGTGGTCACCACCAGCACGCTGCGGAACTTGTCAAAC[A>G]GCATGAGCAGCTGGGAGCGCCGCGTGTTCTCGTTGTACATAATCTCCTCCAGGTGGTGGC-3'
Protein context (NP_001070818.1, residues 533-553): ENTRRSQLLM[Leu543Pro]FDKFRSVLVV